The following is an entry in ClinVar:

ClinVar aggregate classification (germline): Uncertain significance (1 of 4 stars; one submission).

Conditions:
Early-infantile DEE. Also called: Early infantile epileptic encephalopathy with suppression bursts; Early infantile epileptic encephalopathy; Ohtahara syndrome. Identifiers: Orphanet 1934, MedGen C0393706, MONDO:0800491.

Submission:

Labcorp Genetics (formerly Invitae), Labcorp
Classification: Uncertain significance for Early-infantile DEE. Last evaluated: 2022-10-08. Review status: criteria provided, single submitter. Criteria: Invitae Variant Classification Sherloc (09022015). Collection method: clinical testing. Allele origin: germline.
Comment: This variant is not present in population databases (gnomAD no frequency). This sequence change replaces glutamine, which is neutral and polar, with arginine, which is basic and polar, at codon 414 of the ARHGEF15 protein (p.Gln414Arg). This variant has not been reported in the literature in individuals affected with ARHGEF15-related conditions. In summary, the available evidence is currently insufficient to determine the role of this variant in disease. Therefore, it has been classified as a Variant of Uncertain Significance. Algorithms developed to predict the effect of missense changes on protein structure and function are either unavailable or do not agree on the potential impact of this missense change (SIFT: "Deleterious"; PolyPhen-2: "Benign"; Align-GVGD: "Class C0").

NM_173728.4(ARHGEF15):c.1241A>G (p.Gln414Arg)

Gene: ARHGEF15 (Rho guanine nucleotide exchange factor 15; plus strand). Cytogenetic location: 17p13.1.
Variant type: single nucleotide variant.
Coding change: c.1241A>G on transcript NM_173728.4 (MANE Select); coding-DNA position 1241, A replaced by G.
Protein change: p.Gln414Arg; replaces glutamine 414 with arginine.
Molecular consequence: missense variant.
Genome position (GRCh38, 1-based): chr17:8,315,258, A>G. VCF-style: chr17-8315258-A-G. GRCh37 (hg19) VCF-style: chr17-8218576-A-G.
Other names: c.1241A>G, p.Gln414Arg (NM_025014.2); short protein forms Q414R.
Identifiers: ClinVar variation 1986807 (VCV001986807.4), dbSNP rs2543937113, ClinGen allele CA398020008.
Genomic context (GRCh38, chr17:8,315,258, plus strand): 5'-CCCTGTGGCAGGAGCTTCCGGCTGTGCAAGCCAGCGGTCTTCTGGATACCCTCAGCCCCC[A>G]GGAGAGGCGCATGCAGGAGGTGGGAGCTGGAGGTGGGAGATGGGAGGGGGGTGCTGGGGT-3'
Protein context (NP_776089.2, residues 404-424): ASGLLDTLSP[Gln414Arg]ERRMQESLFE